The following is an entry in ClinVar:

NM_001942.4(DSG1):c.1891+6A>C

Genes: DSG1 (desmoglein 1; plus strand), DSG1-AS1 (DSG1 antisense RNA 1; minus strand). Cytogenetic location: 18q12.1.
Variant type: single nucleotide variant.
Coding change: c.1891+6A>C on transcript NM_001942.4 (MANE Select); 6 bases into the intron after coding-DNA position 1891, A replaced by C.
Molecular consequence: intron variant.
Genome position (GRCh38, 1-based): chr18:31,344,001, A>C. VCF-style: chr18-31344001-A-C. GRCh37 (hg19) VCF-style: chr18-28923964-A-C.
Identifiers: ClinVar variation 1391538 (VCV001391538.6), dbSNP rs2144107835, ClinGen allele CA2573155220.

ClinVar aggregate classification (germline): Uncertain significance (1 of 4 stars; one submission).

Submission:

Labcorp Genetics (formerly Invitae), Labcorp
Classification: Uncertain significance. Last evaluated: 2022-07-05. Review status: criteria provided, single submitter. Criteria: Invitae Variant Classification Sherloc (09022015). Collection method: clinical testing. Allele origin: germline.
Comment: In summary, the available evidence is currently insufficient to determine the role of this variant in disease. Therefore, it has been classified as a Variant of Uncertain Significance. Variants that disrupt the consensus splice site are a relatively common cause of aberrant splicing (PMID: 17576681, 9536098). Algorithms developed to predict the effect of sequence changes on RNA splicing suggest that this variant is not likely to affect RNA splicing. ClinVar contains an entry for this variant (Variation ID: 1391538). This variant has not been reported in the literature in individuals affected with DSG1-related conditions. This variant is not present in population databases (gnomAD no frequency). This sequence change falls in intron 13 of the DSG1 gene. It does not directly change the encoded amino acid sequence of the DSG1 protein. It affects a nucleotide within the consensus splice site.

Literature cited by the submitters: PubMed 17576681; PubMed 9536098.